The following is an entry in ClinVar:

ClinVar aggregate classification (germline): Benign. Review status: criteria provided, multiple submitters, no conflicts (2 of 4 stars). 7 submissions from 7 submitters: Benign (7). Last evaluated 2026-02-03.

Conditions:
Brain small vessel disease 2A, autosomal dominant. Also called: Porencephaly 2. Identifiers: Orphanet 2940, Orphanet 99810, MedGen C3280970, MONDO:0013773, OMIM 614483.

Allele frequency attached by ClinVar (database versions not stated): 1000 Genomes Project 0.18630; 1000 Genomes Project 30x 0.19004; gnomAD exomes 0.19644 and 0.21457; gnomAD 0.22765 and 0.23132; TOPMed 0.23283; ESP Exome Variant Server 0.24198.
gnomAD v4.1: 342,485 of 1,587,136 alleles (22%); highest among the groups gnomAD compares: African/African-American, 30%; 39,013 homozygotes.

Submissions (7):

Labcorp Genetics (formerly Invitae), Labcorp
Classification: Benign. Last evaluated: 2026-02-03. Review status: criteria provided, single submitter. Criteria: Invitae Variant Classification Sherloc (09022015). Collection method: clinical testing. Allele origin: germline.

Blueprint Genetics
Classification: Benign. Last evaluated: 2024-11-27. Review status: criteria provided, single submitter. Criteria: ACMG Guidelines, 2015. Collection method: clinical testing. Allele origin: germline.

Mayo Clinic Laboratories, Mayo Clinic
Classification: Benign. Last evaluated: 2022-04-26. Review status: criteria provided, single submitter. Criteria: ACMG Guidelines, 2015. Collection method: clinical testing. Allele origin: germline. Observed: 127 variant alleles.

Genome-Nilou Lab
Classification: Benign for Brain small vessel disease 2A, autosomal dominant. Last evaluated: 2021-07-22. Review status: criteria provided, single submitter. Criteria: ACMG Guidelines, 2015. Collection method: clinical testing. Allele origin: germline. Affected: no.

GeneDx
Classification: Benign. Last evaluated: 2018-03-24. Review status: criteria provided, single submitter. Criteria: GeneDx Variant Classification (06012015). Collection method: clinical testing. Allele origin: germline. Affected: yes.
Comment: This variant is considered likely benign or benign based on one or more of the following criteria: it is a conservative change, it occurs at a poorly conserved position in the protein, it is predicted to be benign by multiple in silico algorithms, and/or has population frequency not consistent with disease.

Illumina Laboratory Services, Illumina
Classification: Benign for Brain small vessel disease 2A, autosomal dominant. Last evaluated: 2018-01-13. Review status: criteria provided, single submitter. Criteria: ICSL Variant Classification Criteria 13 December 2019. Collection method: clinical testing. Allele origin: germline.
Comment: This variant was observed in the ICSL laboratory as part of a predisposition screen in an ostensibly healthy population. It had not been previously curated by ICSL or reported in the Human Gene Mutation Database (HGMD: prior to June 1st, 2018), and was therefore a candidate for classification through an automated scoring system. Utilizing variant allele frequency, disease prevalence and penetrance estimates, and inheritance mode, an automated score was calculated to assess if this variant is too frequent to cause the disease. Based on the score and internal cut-off values, a variant classified as benign is not then subjected to further curation. The score for this variant resulted in a classification of benign for this disease.

Breakthrough Genomics
Classification: Benign. Review status: criteria provided, single submitter. Criteria: ACMG Guidelines, 2015. Collection method: not provided. Allele origin: germline. Inheritance: Autosomal dominant inheritance. Affected: yes.

NM_001846.4(COL4A2):c.4089G>A (p.Ala1363=)

Genes: COL4A2 (collagen type IV alpha 2 chain; plus strand), COL4A2-AS1 (COL4A2 antisense RNA 1; minus strand). Cytogenetic location: 13q34.
Variant type: single nucleotide variant.
Coding change: c.4089G>A on transcript NM_001846.4 (MANE Select); coding-DNA position 4089, G replaced by A.
Protein change: p.Ala1363=; no amino-acid change (alanine 1363 retained).
Molecular consequence: synonymous variant.
Genome position (GRCh38, 1-based): chr13:110,503,432, G>A. VCF-style: chr13-110503432-G-A. GRCh37 (hg19) VCF-style: chr13-111155779-G-A.
Other names: p.Ala1363=.
Identifiers: ClinVar variation 311171 (VCV000311171.20), dbSNP rs4773199, ClinGen allele CA7050404.